The following is an entry in ClinVar:

NM_001379200.1(TBX1):c.1168G>C (p.Gly390Arg)

Gene: TBX1 (T-box transcription factor 1; plus strand). Cytogenetic location: 22q11.21.
Variant type: single nucleotide variant.
Coding change: c.1168G>C on transcript NM_001379200.1 (MANE Select); coding-DNA position 1168, G replaced by C.
Protein change: p.Gly390Arg; replaces glycine 390 with arginine.
Molecular consequence: missense variant. On other transcripts: intron variant (2).
Genome position (GRCh38, 1-based): chr22:19,766,520, G>C. VCF-style: chr22-19766520-G-C. GRCh37 (hg19) VCF-style: chr22-19754043-G-C.
Other names: c.1141G>C, p.Gly381Arg (NM_080647.1); c.1009+518G>C (NM_005992.1, NM_080646.2); short protein forms G381R, G390R.
Identifiers: ClinVar variation 1015225 (VCV001015225.8), dbSNP rs1408610906, ClinGen allele CA410684372.

ClinVar aggregate classification (germline): Uncertain significance (1 of 4 stars; one submission).

Conditions:
DiGeorge syndrome. Also called: Catch22; THIRD AND FOURTH PHARYNGEAL POUCH SYNDROME. Identifiers: Orphanet 567, MedGen C0012236, MONDO:0008564, OMIM 188400.

Allele frequency attached by ClinVar (database versions not stated): gnomAD exomes below 0.00001.

Submission:

Labcorp Genetics (formerly Invitae), Labcorp
Classification: Uncertain significance for DiGeorge syndrome. Last evaluated: 2020-04-02. Review status: criteria provided, single submitter. Criteria: Invitae Variant Classification Sherloc (09022015). Collection method: clinical testing. Allele origin: germline.
Comment: In summary, the available evidence is currently insufficient to determine the role of this variant in disease. Therefore, it has been classified as a Variant of Uncertain Significance. This sequence change replaces glycine with arginine at codon 381 of the TBX1 protein (p.Gly381Arg). The glycine residue is moderately conserved and there is a moderate physicochemical difference between glycine and arginine. The frequency data for this variant in the population databases is considered unreliable, as metrics indicate insufficient coverage at this position in the ExAC database. This variant has not been reported in the literature in individuals with TBX1-related conditions. Algorithms developed to predict the effect of missense changes on protein structure and function are either unavailable or do not agree on the potential impact of this missense change (SIFT: "Deleterious"; PolyPhen-2: "Possibly Damaging"; Align-GVGD: "Class C0").